The following is an entry in ClinVar:

ClinVar aggregate classification (germline): Uncertain significance. Review status: criteria provided, multiple submitters, no conflicts (2 of 4 stars). 2 submissions from 2 submitters: Uncertain significance (2). Last evaluated 2025-10-17.

Conditions:
Inborn genetic diseases. Identifiers: MedGen C0950123, MeSH D030342.

gnomAD v4.1: 26 of 1,614,114 alleles (0.0016%); highest among the groups gnomAD compares: Non-Finnish European, 0.002%; no homozygotes.

Submissions (2):

Ambry Genetics
Classification: Uncertain significance for Inborn genetic diseases. Last evaluated: 2025-10-17. Review status: criteria provided, single submitter. Criteria: Ambry Variant Classification Scheme 2023. Collection method: clinical testing. Allele origin: germline.

Labcorp Genetics (formerly Invitae), Labcorp
Classification: Uncertain significance. Last evaluated: 2024-06-29. Review status: criteria provided, single submitter. Criteria: Invitae Variant Classification Sherloc (09022015). Collection method: clinical testing. Allele origin: germline.
Comment: This sequence change replaces tyrosine, which is neutral and polar, with histidine, which is basic and polar, at codon 3133 of the TRRAP protein (p.Tyr3133His). This variant is present in population databases (rs764044738, gnomAD 0.002%). This variant has not been reported in the literature in individuals affected with TRRAP-related conditions. Advanced modeling of protein sequence and biophysical properties (such as structural, functional, and spatial information, amino acid conservation, physicochemical variation, residue mobility, and thermodynamic stability) performed at Invitae indicates that this missense variant is not expected to disrupt TRRAP protein function with a negative predictive value of 80%. In summary, the available evidence is currently insufficient to determine the role of this variant in disease. Therefore, it has been classified as a Variant of Uncertain Significance.

NM_001375524.1(TRRAP):c.9472T>C (p.Tyr3158His)

Gene: TRRAP (transformation/transcription domain associated protein; plus strand). Cytogenetic location: 7q22.1.
Variant type: single nucleotide variant.
Coding change: c.9472T>C on transcript NM_001375524.1 (MANE Select); coding-DNA position 9472, T replaced by C.
Protein change: p.Tyr3158His; replaces tyrosine 3158 with histidine.
Molecular consequence: missense variant.
Genome position (GRCh38, 1-based): chr7:98,988,847, T>C. VCF-style: chr7-98988847-T-C. GRCh37 (hg19) VCF-style: chr7-98586470-T-C.
Other names: c.9484T>C (NM_001244580.1); c.9484T>C, p.Tyr3162His (NM_001244580.2); c.9397T>C, p.Tyr3133His (NM_003496.4); short protein forms Y3162H, Y3133H, Y3158H.
Identifiers: ClinVar variation 3700675 (VCV003700675.3).